The following is an entry in ClinVar:

NM_006267.5(RANBP2):c.7795T>C (p.Ser2599Pro)

Gene: RANBP2 (RAN binding protein 2; plus strand). Cytogenetic location: 2q13.
Variant type: single nucleotide variant.
Coding change: c.7795T>C on transcript NM_006267.5 (MANE Select); coding-DNA position 7795, T replaced by C.
Protein change: p.Ser2599Pro; replaces serine 2599 with proline.
Molecular consequence: missense variant.
Genome position (GRCh38, 1-based): chr2:108,768,334, T>C. VCF-style: chr2-108768334-T-C. GRCh37 (hg19) VCF-style: chr2-109384790-T-C.
Other names: c.7795T>C, p.Ser2599Pro (NM_001415871.1, NM_001415873.1); c.7792T>C, p.Ser2598Pro (NM_001415872.1); short protein forms S2598P, S2599P.
Identifiers: ClinVar variation 3242095 (VCV003242095.1), dbSNP rs1384507822.

ClinVar aggregate classification (germline): Uncertain significance (1 of 4 stars; one submission).

Conditions:
Familial acute necrotizing encephalopathy (IIAE3). Also called: ENCEPHALOPATHY, ACUTE, INFECTION-INDUCED, SUSCEPTIBILITY TO, 3; Susceptibility to Acute Necrotizing Encephalopathy 1. Identifiers: Orphanet 88619, MedGen C2675556, MONDO:0011953, OMIM 608033.

Allele frequency attached by ClinVar (database versions not stated): gnomAD exomes below 0.00001.
gnomAD v4.1: 1 of 1,612,002 alleles (0.000062%); highest among the groups gnomAD compares: South Asian, 0.0011%; no homozygotes.

Submission:

Neuberg Centre For Genomic Medicine, NCGM
Classification: Uncertain significance for Familial acute necrotizing encephalopathy. Review status: criteria provided, single submitter. Criteria: ACMG Guidelines, 2015. Collection method: clinical testing. Allele origin: germline. Inheritance: Autosomal dominant inheritance. Affected: yes.
Comment: The missense variant c.7795T>C (p.Ser2599Pro) in the RANBP2 gene has not been reported previously as a pathogenic variant nor as a benign variant, to our knowledge. This variant is reported with the allele frequency (0.0008%) in the gnomAD Exomes. The amino acid Serine at position 2599 is changed to a Proline changing protein sequence and it might alter its composition and physico-chemical properties. The variant is predicted as damaging by SIFT. The amino acid change p.Ser2599Pro in RANBP2 is predicted as conserved by PhyloP across 100 vertebrates. For these reasons, this variant has been classified as Uncertain Significance.